The following is an entry in ClinVar:

ClinVar aggregate classification (germline): Pathogenic/Likely pathogenic. Review status: criteria provided, multiple submitters, no conflicts (2 of 4 stars). 2 submissions from 2 submitters: Pathogenic (1); Likely pathogenic (1). Last evaluated 2023-05-22.

Conditions:
CNGA1-related disorder. Also called: CNGA1-related condition.

Submissions (2):

Blueprint Genetics
Classification: Likely pathogenic for CNGA1-related disorders. Last evaluated: 2023-05-22. Review status: criteria provided, single submitter. Criteria: ACMG Guidelines, 2015. Collection method: clinical testing. Allele origin: germline. Affected: yes. Observed: 1 variant allele.

Labcorp Genetics (formerly Invitae), Labcorp
Classification: Pathogenic. Last evaluated: 2022-02-23. Review status: criteria provided, single submitter. Criteria: Invitae Variant Classification Sherloc (09022015). Collection method: clinical testing. Allele origin: germline.
Comment: This sequence change creates a premature translational stop signal (p.Lys418Asnfs*14) in the CNGA1 gene. While this is not anticipated to result in nonsense mediated decay, it is expected to disrupt the last 273 amino acid(s) of the CNGA1 protein. This variant is not present in population databases (gnomAD no frequency). This variant has not been reported in the literature in individuals affected with CNGA1-related conditions. ClinVar contains an entry for this variant (Variation ID: 1074764). This variant disrupts a region of the CNGA1 protein in which other variant(s) (p.Arg514*) have been determined to be pathogenic (PMID: 30337596; Invitae). This suggests that this is a clinically significant region of the protein, and that variants that disrupt it are likely to be disease-causing. For these reasons, this variant has been classified as Pathogenic.

Literature cited by the submitters: PubMed 30337596 (cited by Labcorp Genetics (formerly Invitae), Labcorp).

NM_001379270.1(CNGA1):c.1242_1255del (p.Lys414fs)

Genes: CNGA1 (cyclic nucleotide gated channel subunit alpha 1; minus strand), LOC101927157 (uncharacterized LOC101927157; plus strand). Cytogenetic location: 4p12.
Variant type: Deletion.
Coding change: c.1242_1255del on transcript NM_001379270.1 (MANE Select); coding-DNA positions 1242 to 1255, 14 bases deleted (GCAATATATGCATT).
Protein change: p.Lys414fs; shifts the reading frame from lysine 414.
Molecular consequence: frameshift variant.
Genome position (GRCh38, 1-based): chr4:47,937,227-47,937,240, AATGCATATATTGC deleted on the plus strand (GCAATATATGCATT on the coding strand, the reverse complement: CNGA1 is on the minus strand). VCF-style (leftmost placement, unchanged base first): chr4-47937226-AAATGCATATATTGC-A. GRCh37 (hg19) VCF-style: chr4-47939243-AAATGCATATATTGC-A.
Other names: c.1242_1255del, p.Lys414fs (NM_000087.5, NM_001142564.2); short protein forms K414fs.
Identifiers: ClinVar variation 1074764 (VCV001074764.10), dbSNP rs2110129031, ClinGen allele CA2499217220.